The following is an entry in ClinVar:

ClinVar aggregate classification (germline): Uncertain significance. Review status: criteria provided, multiple submitters, no conflicts (2 of 4 stars). 2 submissions from 2 submitters: Uncertain significance (2). Last evaluated 2025-12-10.

Conditions:
Inborn genetic diseases. Identifiers: MedGen C0950123, MeSH D030342.

gnomAD v4.1: 4 of 1,611,712 alleles (0.00025%); highest among the groups gnomAD compares: Admixed American, 0.0017%; no homozygotes.

Submissions (2):

Labcorp Genetics (formerly Invitae), Labcorp
Classification: Uncertain significance. Last evaluated: 2025-12-10. Review status: criteria provided, single submitter. Criteria: Invitae Variant Classification Sherloc (09022015). Collection method: clinical testing. Allele origin: germline.
Comment: This sequence change replaces histidine, which is basic and polar, with tyrosine, which is neutral and polar, at codon 53 of the SAMD9 protein (p.His53Tyr). This variant is present in population databases (no rsID available, gnomAD 0.003%). This variant has not been reported in the literature in individuals affected with SAMD9-related conditions. ClinVar contains an entry for this variant (Variation ID: 3949515). Invitae Evidence Modeling of protein sequence and biophysical properties (such as structural, functional, and spatial information, amino acid conservation, physicochemical variation, residue mobility, and thermodynamic stability) indicates that this missense variant is not expected to disrupt SAMD9 protein function with a negative predictive value of 95%. In summary, the available evidence is currently insufficient to determine the role of this variant in disease. Therefore, it has been classified as a Variant of Uncertain Significance.

Ambry Genetics
Classification: Uncertain significance for Inborn genetic diseases. Last evaluated: 2025-04-05. Review status: criteria provided, single submitter. Criteria: Ambry Variant Classification Scheme 2023. Collection method: clinical testing. Allele origin: germline.
Comment: The p.H53Y variant (also known as c.157C>T), located in coding exon 1 of the SAMD9 gene, results from a C to T substitution at nucleotide position 157. The histidine at codon 53 is replaced by tyrosine, an amino acid with similar properties. This amino acid position is conserved. In addition, this alteration is predicted to be tolerated by in silico analysis. Based on the available evidence, the clinical significance of this variant remains unclear.

NM_017654.4(SAMD9):c.157C>T (p.His53Tyr)

Gene: SAMD9 (sterile alpha motif domain containing 9; minus strand). Cytogenetic location: 7q21.2.
Variant type: single nucleotide variant.
Coding change: c.157C>T on transcript NM_017654.4 (MANE Select); coding-DNA position 157, C replaced by T.
Protein change: p.His53Tyr; replaces histidine 53 with tyrosine.
Molecular consequence: missense variant.
Genome position (GRCh38, 1-based): chr7:93,105,941, G>A on the plus strand (C>T on the coding strand, the complement: SAMD9 is on the minus strand). VCF-style: chr7-93105941-G-A. GRCh37 (hg19) VCF-style: chr7-92735254-G-A.
Other names: c.157C>T, p.His53Tyr (NM_001193307.2); short protein forms H53Y.
Identifiers: ClinVar variation 3949515 (VCV003949515.2).